The following is an entry in ClinVar:

ClinVar aggregate classification (germline): Benign. Review status: reviewed by expert panel (3 of 4 stars). 12 submissions from 12 submitters: Benign (1). 11 of the submissions do not count toward it. Last evaluated 2025-08-14.

Conditions:
Neuromuscular disease caused by qualitative or quantitative defects of dysferlin. Also called: Dysferlinopathy; Qualitative or quantitative defects of dysferlin. Identifiers: Orphanet 207073, MedGen C2931687, MONDO:0016145.
Autosomal recessive limb-girdle muscular dystrophy. Identifiers: Orphanet 102015, MedGen C2931907, MONDO:0015152.
Miyoshi muscular dystrophy 1 (MMD1). Identifiers: Orphanet 45448, MedGen C4551973, MONDO:0024545, OMIM 254130.
Autosomal recessive limb-girdle muscular dystrophy type 2B (LGMDR2). Also called: MUSCULAR DYSTROPHY, LIMB-GIRDLE, AUTOSOMAL RECESSIVE 2; Limb-girdle muscular dystrophy, type 2B; Limb-Girdle Muscular Dystrophy Type 2B (LGMD2B); MUSCULAR DYSTROPHY, LIMB-GIRDLE, TYPE 3. Identifiers: Orphanet 268, MedGen C1850889, MONDO:0009676, OMIM 253601.

Allele frequency attached by ClinVar (database versions not stated): ESP Exome Variant Server 0.00761; gnomAD exomes 0.00791; gnomAD 0.00792 and 0.00814; 1000 Genomes Project 0.00859; TOPMed 0.00868; 1000 Genomes Project 30x 0.00937; ExAC 0.01067.
gnomAD v4.1: 13,247 of 1,609,458 alleles (0.82%); highest among the groups gnomAD compares: Middle Eastern, 3.3%; 90 homozygotes.

Submissions (12):

ClinGen Limb Girdle Muscular Dystrophy Variant Curation Expert Panel, ClinGen
Classification: Benign for Autosomal recessive limb-girdle muscular dystrophy. Last evaluated: 2025-08-14. Review status: reviewed by expert panel. Criteria: ClinGen LGMD VCEP ACMG Specifications DYSF V1.0.0. Collection method: curation. Allele origin: germline. Inheritance: Autosomal recessive inheritance.
Comment: The NM_003494.4: c.4504C>T p.(Leu1502=) variant in DYSF, which is also known as NM_001130987.2: c.4621C>T (p.Leu1541=), is a synonymous (silent) variant that is not located in a splice region (outside of the first and the last 3 bases of the exon). The filtering allele frequency for this variant is 0.02913 in gnomAD v4.1.0 (the lower threshold of the 95% CI of 198/6022 Middle Eastern chromosomes), which is higher than the VCEP threshold of 0.003 (BA1). In addition, this variant is not predicted to impact splicing (SpliceAI score 0) (BP4, BP7). In summary, this variant meets the criteria to be classified as Benign for autosomal recessive limb girdle muscular dystrophy based on the ACMG/AMP criteria applied, as specified by the ClinGen LGMD VCEP (LGMD VCEP specifications version 1.0.0; 08/14/2025): BA1, BP4, BP7.

Labcorp Genetics (formerly Invitae), Labcorp
Classification: Benign for Neuromuscular disease caused by qualitative or quantitative defects of dysferlin. Last evaluated: 2026-02-02. Review status: criteria provided, single submitter. Criteria: Invitae Variant Classification Sherloc (09022015). Collection method: clinical testing. Allele origin: germline. Not counted in ClinVar's aggregate classification.

Genome-Nilou Lab
Classification: Likely benign for Miyoshi muscular dystrophy 1. Last evaluated: 2021-05-18. Review status: criteria provided, single submitter. Criteria: ACMG Guidelines, 2015. Collection method: clinical testing. Allele origin: germline. Affected: no. Not counted in ClinVar's aggregate classification.

Athena Diagnostics
Classification: Benign. Last evaluated: 2021-04-22. Review status: criteria provided, single submitter. Criteria: Athena Diagnostics criteria. Collection method: clinical testing. Allele origin: unknown. Not counted in ClinVar's aggregate classification.

Mayo Clinic Laboratories, Mayo Clinic
Classification: Benign. Last evaluated: 2018-03-23. Review status: criteria provided, single submitter. Criteria: ACMG Guidelines, 2015. Collection method: clinical testing. Allele origin: germline. Observed: 24 variant alleles. Not counted in ClinVar's aggregate classification.

Illumina Laboratory Services, Illumina
Classification: Uncertain significance for Qualitative or quantitative defects of dysferlin. Last evaluated: 2018-01-13. Review status: criteria provided, single submitter. Criteria: ICSL Variant Classification Criteria 13 December 2019. Collection method: clinical testing. Allele origin: germline. Not counted in ClinVar's aggregate classification.

GeneDx
Classification: Benign. Last evaluated: 2016-05-19. Review status: criteria provided, single submitter. Criteria: GeneDx Variant Classification (06012015). Collection method: clinical testing. Allele origin: germline. Affected: yes. Not counted in ClinVar's aggregate classification.
Comment: This variant is considered likely benign or benign based on one or more of the following criteria: it is a conservative change, it occurs at a poorly conserved position in the protein, it is predicted to be benign by multiple in silico algorithms, and/or has population frequency not consistent with disease.

Laboratory for Molecular Medicine, Mass General Brigham Personalized Medicine
Classification: Benign. Last evaluated: 2015-01-13. Review status: criteria provided, single submitter. Criteria: LMM Criteria. Collection method: clinical testing. Allele origin: germline. Observed: 1 variant allele. Not counted in ClinVar's aggregate classification.
Comment: p.Leu1541Leu in exon 42 of DYSF: This variant is not expected to have clinical s ignificance because it does not alter an amino acid residue and is not located w ithin the splice consensus sequence. It has been identified in 0.8% (34/4406) of African American chromosomes from a broad population by the NHLBI Exome Sequenc ing Project (dbSNP rs7573406).

Eurofins Ntd Llc (ga)
Classification: Benign. Last evaluated: 2013-12-13. Review status: criteria provided, single submitter. Criteria: EGL Classification Definitions 2015. Collection method: clinical testing. Allele origin: germline. Observed: 5 variant alleles, 5 heterozygotes. Not counted in ClinVar's aggregate classification.

PreventionGenetics, part of Exact Sciences
Classification: Benign. Review status: criteria provided, single submitter. Criteria: ACMG Guidelines, 2015. Collection method: clinical testing. Allele origin: germline. Not counted in ClinVar's aggregate classification.

Natera, Inc.
Classification: Benign for Limb-girdle muscular dystrophy type 2B. Last evaluated: 2020-09-16. Review status: no assertion criteria provided. Collection method: clinical testing. Allele origin: germline. Not counted in ClinVar's aggregate classification.

Genetic Services Laboratory, University of Chicago
Classification: Likely benign for AllHighlyPenetrant. Review status: no assertion criteria provided. Collection method: clinical testing. Allele origin: germline. Inheritance: Autosomal recessive inheritance. Not counted in ClinVar's aggregate classification.
Comment: Likely benign based on allele frequency in 1000 Genomes Project or ESP global frequency and its presence in a patient with a rare or unrelated disease phenotype. NOT Sanger confirmed.

NM_001130987.2(DYSF):c.4621C>T (p.Leu1541=)

Gene: DYSF (dysferlin; plus strand). Cytogenetic location: 2p13.2.
Variant type: single nucleotide variant.
Coding change: c.4621C>T on transcript NM_001130987.2 (MANE Select); coding-DNA position 4621, C replaced by T.
Protein change: p.Leu1541=; no amino-acid change (leucine 1541 retained).
Molecular consequence: synonymous variant.
Genome position (GRCh38, 1-based): chr2:71,644,058, C>T. VCF-style: chr2-71644058-C-T. GRCh37 (hg19) VCF-style: chr2-71871188-C-T.
Other names: NM_001130987.2(DYSF):c.4621C>T; p.Leu1541=; p.Leu1502=; c.4507C>T, p.Leu1503= (NM_001130455.2); c.4462C>T, p.Leu1488= (NM_001130976.2); c.4525C>T, p.Leu1509= (NM_001130977.2); c.4567C>T, p.Leu1523= (NM_001130978.2); c.4597C>T, p.Leu1533= (NM_001130979.2); and 8 more.
Identifiers: ClinVar variation 94325 (VCV000094325.34), dbSNP rs7573406, ClinGen allele CA147760.